The following is an entry in ClinVar:

NM_000018.4(ACADVL):c.605T>C (p.Leu202Pro)

Gene: ACADVL (acyl-CoA dehydrogenase very long chain; plus strand). Cytogenetic location: 17p13.1.
Variant type: single nucleotide variant.
Coding change: c.605T>C on transcript NM_000018.4 (MANE Select); coding-DNA position 605, T replaced by C.
Protein change: p.Leu202Pro; replaces leucine 202 with proline.
Molecular consequence: missense variant.
Genome position (GRCh38, 1-based): chr17:7,221,665, T>C. VCF-style: chr17-7221665-T-C. GRCh37 (hg19) VCF-style: chr17-7124984-T-C.
Other names: NM_000018.4(ACADVL):c.605T>C; c.539T>C, p.Leu180Pro (NM_001033859.3); c.674T>C, p.Leu225Pro (NM_001270447.2); c.377T>C, p.Leu126Pro (NM_001270448.2); short protein forms L202P, L126P, L180P, L225P.
Identifiers: ClinVar variation 92288 (VCV000092288.58), dbSNP rs398123090, ClinGen allele CA220216.

ClinVar aggregate classification (germline): Likely pathogenic. Review status: reviewed by expert panel (3 of 4 stars). 10 submissions from 10 submitters: Likely pathogenic (1). 9 of the submissions do not count toward it. Last evaluated 2024-03-26.

Conditions:
Very long chain acyl-CoA dehydrogenase deficiency (ACADVLD). Also called: VLCAD Deficiency; Very Long-Chain Acyl-Coenzyme A Dehydrogenase Deficiency. Identifiers: Orphanet 26793, MedGen C3887523, MONDO:0008723, OMIM 201475.

Allele frequency attached by ClinVar (database versions not stated): gnomAD 0.00001; gnomAD exomes below 0.00001; TOPMed below 0.00001; ExAC 0.00001.
gnomAD v4.1: 3 of 1,613,646 alleles (0.00019%); highest among the groups gnomAD compares: Non-Finnish European, 0.00017%; no homozygotes.

Submissions (10):

ClinGen ACADVL Variant Curation Expert Panel, ClinGen
Classification: Likely pathogenic for Very long chain acyl-CoA dehydrogenase deficiency. Last evaluated: 2024-03-26. Review status: reviewed by expert panel. Criteria: clingen acadvl acmg specifications v1. Collection method: curation. Allele origin: germline. Inheritance: Autosomal recessive inheritance.
Comment: The NM_000018.4 c.605T>C (p.Leu202Pro) in ACADVL is a missense variant predicted to cause substitution of leucine by proline at amino acid 202 (p. Leu202Pro). The highest population minor allele frequency in gnomAD v2.1.1 is 0.000004 in the general population, which is lower than the ClinGen ACADVL Variant Curation Expert Panel threshold (<0.001) for PM2_Supporting, meeting this criterion (PM2_Supporting). This variant has been detected in apparently heterozygous fashion in two individuals with very long chain acyl CoA dehydrogenase (VLCAD) deficiency, who also displayed reduced enzyme levels (20% and 26% of wildtype, respectively), which is highly specific for VLCAD deficiency (PP4_Moderate, PMIDs: 23480858, 30194637). At least one individual with this variant was identified by very long chain acyl-CoA dehydrogenase (VLCAD) clinical phenotype, who also carried a pathogenic variant c.848T>C in trans, displaying reduced enzyme levels (4% of wildtype) (PM3 score = 1.0, PM3, PMID: 30194637). The computational predictor REVEL gives a score of 0.953, which is above the threshold of 0.75, evidence that correlates with impact to ACADVL function (PP3). In summary, this variant meets the criteria to be classified as likely pathogenic for autosomal recessive very long chain acyl-CoA dehydrogenase (VLCAD) deficiency based on the ACMG/AMP criteria applied, as specified by the ClinGen ACADVL Variant Curation Expert Panel: PM3, PP4_Moderate, PM2_Supporting, PP3 (ACADVL VCEP specifications version 1; approved November 9, 2021).

Women's Health and Genetics/Laboratory Corporation of America, LabCorp
Classification: Pathogenic for Very long chain acyl-CoA dehydrogenase deficiency. Last evaluated: 2026-03-04. Review status: criteria provided, single submitter. Criteria: LabCorp Variant Classification Summary - May 2015. Collection method: clinical testing. Allele origin: germline. Not counted in ClinVar's aggregate classification.
Comment: Variant summary: ACADVL c.605T>C (p.Leu202Pro) results in a non-conservative amino acid change in the encoded protein sequence. Algorithms developed to predict the effect of missense changes on protein structure and function all suggest that this variant is likely to be disruptive. The variant allele was found at a frequency of 4e-06 in 251270 control chromosomes (gnomAD). c.605T>C has been observed in individuals affected with Very Long Chain Acyl-CoA Dehydrogenase Deficiency and exertional heat illness (Schiff_2013, Miller_2015, Pena_2016, Hesse_2018, Sambuughin_2024). These data indicate that the variant may be associated with disease. A different variant affecting the same codon has been classified as likely pathogenic by our lab (c.605T>A, p.Leu202His), supporting the critical relevance of codon 202 to ACADVL protein function. At least one publication reports experimental evidence evaluating an impact on protein function and this variant results in reducing enzyme activity (Hesse_2018). ClinVar contains an entry for this variant (Variation ID: 92288). Based on the evidence outlined above, the variant was classified as pathogenic.

Labcorp Genetics (formerly Invitae), Labcorp
Classification: Pathogenic for Very long chain acyl-CoA dehydrogenase deficiency. Last evaluated: 2026-01-23. Review status: criteria provided, single submitter. Criteria: Invitae Variant Classification Sherloc (09022015). Collection method: clinical testing. Allele origin: germline. Not counted in ClinVar's aggregate classification.
Comment: This sequence change replaces leucine, which is neutral and non-polar, with proline, which is neutral and non-polar, at codon 202 of the ACADVL protein (p.Leu202Pro). This variant is present in population databases (rs398123090, gnomAD no frequency). This missense change has been observed in individual(s) with VLCAD deficiency (PMID: 30194637). ClinVar contains an entry for this variant (Variation ID: 92288). Invitae Evidence Modeling of protein sequence and biophysical properties (such as structural, functional, and spatial information, amino acid conservation, physicochemical variation, residue mobility, and thermodynamic stability) indicates that this missense variant is expected to disrupt ACADVL protein function with a positive predictive value of 80%. This variant disrupts the p.Leu202 amino acid residue in ACADVL. Other variant(s) that disrupt this residue have been determined to be pathogenic (PMID: 32793418; internal data). This suggests that this residue is clinically significant, and that variants that disrupt this residue are likely to be disease-causing. For these reasons, this variant has been classified as Pathogenic.

Blueprint Genetics
Classification: Uncertain significance. Last evaluated: 2024-03-15. Review status: criteria provided, single submitter. Criteria: ACMG Guidelines, 2015. Collection method: clinical testing. Allele origin: germline. Not counted in ClinVar's aggregate classification.

Baylor Genetics
Classification: Likely pathogenic for Very long chain acyl-CoA dehydrogenase deficiency. Last evaluated: 2023-05-27. Review status: criteria provided, single submitter. Criteria: ACMG Guidelines, 2015. Collection method: clinical testing. Allele origin: unknown. Not counted in ClinVar's aggregate classification.

CeGaT Center for Human Genetics Tuebingen
Classification: Pathogenic. Last evaluated: 2022-01-01. Review status: criteria provided, single submitter. Criteria: CeGaT Center For Human Genetics Tuebingen Variant Classification Criteria Version 2. Collection method: clinical testing. Allele origin: germline. Affected: yes. Observed: 1 variant allele. Not counted in ClinVar's aggregate classification.

GeneDx
Classification: Uncertain significance. Last evaluated: 2020-03-12. Review status: criteria provided, single submitter. Criteria: GeneDx Variant Classification Process June 2021. Collection method: clinical testing. Allele origin: germline. Affected: yes. Not counted in ClinVar's aggregate classification.
Comment: Not observed at a significant frequency in large population cohorts (Lek et al., 2016); In silico analysis supports that this missense variant has a deleterious effect on protein structure/function; This variant is associated with the following publications: (PMID: 30194637, 23480858)

Wong Mito Lab, Molecular and Human Genetics, Baylor College of Medicine
Classification: Pathogenic for Very long chain acyl-CoA dehydrogenase deficiency. Last evaluated: 2019-11-01. Review status: criteria provided, single submitter. Criteria: ACMG Guidelines, 2015. Collection method: clinical testing. Allele origin: germline. Not counted in ClinVar's aggregate classification.
Comment: The NM_000018.3:c.605T>C (NP_000009.1:p.Leu202Pro) [GRCH38: NC_000017.11:g.7221665T>C] variant in ACADVL gene is interpretated to be Pathogenic based on ACMG guidelines (PMID: 25741868). This variant has been reported in PMID: 23480858. This variant meets the following evidence codes reported in the ACMG guidelines: PS1, PS3

ARUP Laboratories, Molecular Genetics and Genomics, ARUP Laboratories
Classification: Uncertain significance. Last evaluated: 2017-10-26. Review status: criteria provided, single submitter. Criteria: ARUP Molecular Germline Variant Investigation Process. Collection method: clinical testing. Allele origin: germline. Not counted in ClinVar's aggregate classification.

Eurofins Ntd Llc (ga)
Classification: Uncertain significance. Last evaluated: 2013-05-21. Review status: criteria provided, single submitter. Criteria: EGL Classification Definitions 2015. Collection method: clinical testing. Allele origin: germline. Observed: 1 variant allele, 1 heterozygote. Not counted in ClinVar's aggregate classification.

Literature cited by the submitters: PubMed 23480858 (cited by 3 submitters); PubMed 26385305 (cited by Women's Health and Genetics/Laboratory Corporation of America, LabCorp); PubMed 30194637 (cited by Women's Health and Genetics/Laboratory Corporation of America, LabCorp and Labcorp Genetics (formerly Invitae), Labcorp); PubMed 27209629 (cited by Women's Health and Genetics/Laboratory Corporation of America, LabCorp); PubMed 39457051 (cited by Women's Health and Genetics/Laboratory Corporation of America, LabCorp); PubMed 32793418 (cited by Labcorp Genetics (formerly Invitae), Labcorp).